The following is an entry in ClinVar:

ClinVar aggregate classification (germline): Pathogenic. Review status: criteria provided, multiple submitters, no conflicts (2 of 4 stars). 2 submissions from 2 submitters: Pathogenic (2). Last evaluated 2024-08-21.

Conditions:
Achromatopsia 7 (ACHM7). Identifiers: Orphanet 49382, MedGen C4225297, MONDO:0014677, OMIM 616517.

Submissions (2):

Labcorp Genetics (formerly Invitae), Labcorp
Classification: Pathogenic. Last evaluated: 2024-08-21. Review status: criteria provided, single submitter. Criteria: Invitae Variant Classification Sherloc (09022015). Collection method: clinical testing. Allele origin: germline.
Comment: This sequence change creates a premature translational stop signal (p.Pro118Leufs*31) in the ATF6 gene. It is expected to result in an absent or disrupted protein product. Loss-of-function variants in ATF6 are known to be pathogenic (PMID: 26029869, 26063662, 26070061). This variant is not present in population databases (gnomAD no frequency). This premature translational stop signal has been observed in individual(s) with achromatopsia (PMID: 26029869). ClinVar contains an entry for this variant (Variation ID: 209097). For these reasons, this variant has been classified as Pathogenic.

Molecular Genetics Laboratory, Institute for Ophthalmic Research
Classification: Pathogenic for ACHROMATOPSIA 7. Last evaluated: 2015-06-17. Review status: criteria provided, single submitter. Criteria: Kohl et al. (Nat Genet. 2015). Collection method: research. Allele origin: germline. Inheritance: Autosomal recessive inheritance. Affected: yes. Observed: 1 variant allele, 1 homozygote.

Literature cited by the submitters: PubMed 26029869 (cited by Labcorp Genetics (formerly Invitae), Labcorp); PubMed 26063662 (cited by Labcorp Genetics (formerly Invitae), Labcorp); PubMed 26070061 (cited by Labcorp Genetics (formerly Invitae), Labcorp).

NM_007348.4(ATF6):c.353del (p.Pro118fs)

Gene: ATF6 (activating transcription factor 6; plus strand). Cytogenetic location: 1q23.3.
Variant type: Deletion.
Coding change: c.353del on transcript NM_007348.4 (MANE Select); coding-DNA position 353, one base deleted (C; older notation c.353delC).
Protein change: p.Pro118fs; shifts the reading frame from proline 118.
Molecular consequence: frameshift variant.
Genome position (GRCh38, 1-based): chr1:161,784,095, C deleted; the last of 2 consecutive C bases (chr1:161,784,094-161,784,095); deleting either gives the same sequence. VCF-style (leftmost placement, unchanged base first): chr1-161784093-TC-T. GRCh37 (hg19) VCF-style: chr1-161753883-TC-T.
Other names: short protein forms P118fs.
Identifiers: ClinVar variation 209097 (VCV000209097.4), dbSNP rs797045171, ClinGen allele CA214899.